The following is an entry in ClinVar:

ClinVar aggregate classification (germline): Uncertain significance (1 of 4 stars; one submission).

Conditions:
Familial thoracic aortic aneurysm and aortic dissection (TAAD). Also called: Thoracic aortic aneurysms and dissections. Identifiers: Orphanet 91387, MedGen C4707243, MONDO:0019625.

Allele frequency attached by ClinVar (database versions not stated): gnomAD exomes below 0.00001 and 0.00001; ExAC 0.00002.
gnomAD v4.1: 6 of 1,614,122 alleles (0.00037%); highest among the groups gnomAD compares: South Asian, 0.0055%; no homozygotes.

Submission:

Color Diagnostics, LLC DBA Color Health
Classification: Uncertain significance for Familial thoracic aortic aneurysm and aortic dissection. Last evaluated: 2023-12-05. Review status: criteria provided, single submitter. Criteria: ACMG Guidelines, 2015. Collection method: clinical testing. Allele origin: germline.
Comment: Variant of Uncertain Significance due to insufficient evidence: This missense variant is located in the N-terminal SH3-like domain of the MYH11 protein. Computational prediction tools and conservation analyses suggest that this variant may have deleterious impact on the protein function. Computational splicing tools suggest that this variant may not impact RNA splicing. To our knowledge, functional assays have not been performed for this variant nor has this variant been reported in individuals affected with cardiovascular disorders in the literature. This variant has been identified in 3/246114 chromosomes in the general population by the Genome Aggregation Database (gnomAD). Available evidence is insufficient to determine the pathogenicity of this variant conclusively.

NM_002474.3(MYH11):c.152A>T (p.Lys51Met)

Gene: MYH11 (myosin heavy chain 11; minus strand). Cytogenetic location: 16p13.11.
Variant type: single nucleotide variant.
Coding change: c.152A>T on transcript NM_002474.3 (MANE Select); coding-DNA position 152, A replaced by T.
Protein change: p.Lys51Met; replaces lysine 51 with methionine.
Molecular consequence: missense variant.
Genome position (GRCh38, 1-based): chr16:15,838,101, T>A on the plus strand (A>T on the coding strand, the complement: MYH11 is on the minus strand). VCF-style: chr16-15838101-T-A. GRCh37 (hg19) VCF-style: chr16-15931958-T-A.
Other names: c.152A>T, p.Lys51Met (NM_001040113.2, NM_001040114.2, NM_022844.3); short protein forms K51M.
Identifiers: ClinVar variation 629682 (VCV000629682.4), dbSNP rs748791569, ClinGen allele CA7923112.
Genomic context (GRCh38, chr16:15,838,101, plus strand): 5'-ACCGTGACCTTCTTGCCATTCTCCACCAGCTCCACAACCACCTCATCCCCCTTCTCCTCC[T>A]TAATGCTGGCTGCCTCGAAGCCCTGCTTCTCCGAGGGGACCCAGACGAGTCTCTTGGCGG-3'
Protein context (NP_002465.1, residues 41-61): EKQGFEAASI[Lys51Met]EEKGDEVVVE